The following is an entry in ClinVar:

ClinVar aggregate classification (germline): Uncertain significance (1 of 4 stars; one submission).

Conditions:
Hereditary nonpolyposis colorectal neoplasms. Identifiers: MedGen C0009405, MeSH D003123.

Submission:

Labcorp Genetics (formerly Invitae), Labcorp
Classification: Uncertain significance for Hereditary nonpolyposis colorectal neoplasms. Last evaluated: 2022-07-10. Review status: criteria provided, single submitter. Criteria: Invitae Variant Classification Sherloc (09022015). Collection method: clinical testing. Allele origin: germline.
Comment: In summary, the available evidence is currently insufficient to determine the role of this variant in disease. Therefore, it has been classified as a Variant of Uncertain Significance. Advanced modeling of protein sequence and biophysical properties (such as structural, functional, and spatial information, amino acid conservation, physicochemical variation, residue mobility, and thermodynamic stability) performed at Invitae indicates that this missense variant is expected to disrupt MSH6 protein function. ClinVar contains an entry for this variant (Variation ID: 639345). This variant has not been reported in the literature in individuals affected with MSH6-related conditions. This variant is not present in population databases (gnomAD no frequency). This sequence change replaces aspartic acid, which is acidic and polar, with glutamic acid, which is acidic and polar, at codon 1223 of the MSH6 protein (p.Asp1223Glu).

NM_000179.3(MSH6):c.3669T>G (p.Asp1223Glu)

Gene: MSH6 (mutS homolog 6; plus strand). Cytogenetic location: 2p16.3.
Variant type: single nucleotide variant.
Coding change: c.3669T>G on transcript NM_000179.3 (MANE Select); coding-DNA position 3669, T replaced by G.
Protein change: p.Asp1223Glu; replaces aspartic acid 1223 with glutamic acid.
Molecular consequence: missense variant.
Genome position (GRCh38, 1-based): chr2:47,806,226, T>G. VCF-style: chr2-47806226-T-G. GRCh37 (hg19) VCF-style: chr2-48033365-T-G.
Other names: c.3279T>G, p.Asp1093Glu (NM_001281492.2); c.2763T>G, p.Asp921Glu (NM_001281493.2, NM_001281494.2); short protein forms D921E, D1093E, D1223E.
Identifiers: ClinVar variation 639345 (VCV000639345.9), dbSNP rs1572744487, ClinGen allele CA346760852.
Genomic context (GRCh38, chr2:47,806,226, plus strand): 5'-CTTTGAGTTACTTCCTTATGCATATTTTACTTTAACAGGAAGAGGTACTGCAACATTTGA[T>G]GGGACGGCAATAGCAAATGCAGTTGTTAAAGAACTTGCTGAGACTATAAAATGTCGTACA-3'
Protein context (NP_000170.1, residues 1213-1233): DELGRGTATF[Asp1223Glu]GTAIANAVVK